The following is an entry in ClinVar:

ClinVar aggregate classification (germline): Uncertain significance (1 of 4 stars; one submission).

Allele frequency attached by ClinVar (database versions not stated): TOPMed below 0.00001.

Submission:

Labcorp Genetics (formerly Invitae), Labcorp
Classification: Uncertain significance. Last evaluated: 2026-01-26. Review status: criteria provided, single submitter. Criteria: Invitae Variant Classification Sherloc (09022015). Collection method: clinical testing. Allele origin: germline.
Comment: This sequence change replaces lysine, which is basic and polar, with arginine, which is basic and polar, at codon 2411 of the MTOR protein (p.Lys2411Arg). This variant is not present in population databases (gnomAD no frequency). This variant has not been reported in the literature in individuals affected with MTOR-related conditions. ClinVar contains an entry for this variant (Variation ID: 2982168). Invitae Evidence Modeling of protein sequence and biophysical properties (such as structural, functional, and spatial information, amino acid conservation, physicochemical variation, residue mobility, and thermodynamic stability) indicates that this missense variant is not expected to disrupt MTOR protein function with a negative predictive value of 95%. In summary, the available evidence is currently insufficient to determine the role of this variant in disease. Therefore, it has been classified as a Variant of Uncertain Significance.

NM_004958.4(MTOR):c.7232A>G (p.Lys2411Arg)

Gene: MTOR (mechanistic target of rapamycin kinase; minus strand). Cytogenetic location: 1p36.22.
Variant type: single nucleotide variant.
Coding change: c.7232A>G on transcript NM_004958.4 (MANE Select); coding-DNA position 7232, A replaced by G.
Protein change: p.Lys2411Arg; replaces lysine 2411 with arginine.
Molecular consequence: missense variant.
Genome position (GRCh38, 1-based): chr1:11,114,386, T>C on the plus strand (A>G on the coding strand, the complement: MTOR is on the minus strand). VCF-style: chr1-11114386-T-C. GRCh37 (hg19) VCF-style: chr1-11174443-T-C.
Other names: c.7232A>G, p.Lys2411Arg (NM_001386500.1); c.5984A>G, p.Lys1995Arg (NM_001386501.1); short protein forms K1995R, K2411R.
Identifiers: ClinVar variation 2982168 (VCV002982168.3), dbSNP rs1284066170, ClinGen allele CA338381023.